The following is an entry in ClinVar:

NM_015346.4(ZFYVE26):c.4282C>T (p.Arg1428Trp)

Gene: ZFYVE26 (zinc finger FYVE-type containing 26; minus strand). Cytogenetic location: 14q24.1.
Variant type: single nucleotide variant.
Coding change: c.4282C>T on transcript NM_015346.4 (MANE Select); coding-DNA position 4282, C replaced by T.
Protein change: p.Arg1428Trp; replaces arginine 1428 with tryptophan.
Molecular consequence: missense variant.
Genome position (GRCh38, 1-based): chr14:67,782,870, G>A on the plus strand (C>T on the coding strand, the complement: ZFYVE26 is on the minus strand). VCF-style: chr14-67782870-G-A. GRCh37 (hg19) VCF-style: chr14-68249587-G-A.
Other names: short protein forms R1428W.
Identifiers: ClinVar variation 2075353 (VCV002075353.3), dbSNP rs373098930, ClinGen allele CA7239808.

ClinVar aggregate classification (germline): Uncertain significance (1 of 4 stars; one submission).

Conditions:
Spastic paraplegia. Identifiers: MedGen C0037772, HP:0001258.

Allele frequency attached by ClinVar (database versions not stated): TOPMed 0.00002; ExAC 0.00003; ESP Exome Variant Server 0.00008; gnomAD exomes 0.00001; gnomAD 0.00003.
gnomAD v4.1: 27 of 1,614,080 alleles (0.0017%); highest among the groups gnomAD compares: South Asian, 0.0099%; no homozygotes.

Submission:

Labcorp Genetics (formerly Invitae), Labcorp
Classification: Uncertain significance for Spastic paraplegia. Last evaluated: 2024-10-24. Review status: criteria provided, single submitter. Criteria: Invitae Variant Classification Sherloc (09022015). Collection method: clinical testing. Allele origin: germline.
Comment: This sequence change replaces arginine, which is basic and polar, with tryptophan, which is neutral and slightly polar, at codon 1428 of the ZFYVE26 protein (p.Arg1428Trp). This variant is present in population databases (rs373098930, gnomAD 0.007%). This variant has not been reported in the literature in individuals affected with ZFYVE26-related conditions. ClinVar contains an entry for this variant (Variation ID: 2075353). An algorithm developed to predict the effect of missense changes on protein structure and function (PolyPhen-2) suggests that this variant is likely to be disruptive. In summary, the available evidence is currently insufficient to determine the role of this variant in disease. Therefore, it has been classified as a Variant of Uncertain Significance.